The following is an entry in ClinVar:

NM_000454.5(SOD1):c.197A>G (p.Asn66Ser)

Gene: SOD1 (superoxide dismutase 1; plus strand). Cytogenetic location: 21q22.11.
Variant type: single nucleotide variant.
Coding change: c.197A>G on transcript NM_000454.5 (MANE Select); coding-DNA position 197, A replaced by G.
Protein change: p.Asn66Ser; replaces asparagine 66 with serine.
Molecular consequence: missense variant.
Genome position (GRCh38, 1-based): chr21:31,666,476, A>G. VCF-style: chr21-31666476-A-G. GRCh37 (hg19) VCF-style: chr21-33038789-A-G.
Other names: short protein forms N66S.
Identifiers: ClinVar variation 1709733 (VCV001709733.7), dbSNP rs1568810275, ClinGen allele CA410037261.
Genomic context (GRCh38, chr21:31,666,476, plus strand): 5'-AATTTAGCTTTTTTTTCTTCTTCTTATAAATAGGCTGTACCAGTGCAGGTCCTCACTTTA[A>G]TCCTCTATCCAGAAAACACGGTGGGCCAAAGGATGAAGAGAGGTAACAAGATGCTTAACT-3'
Protein context (NP_000445.1, residues 56-76): AGCTSAGPHF[Asn66Ser]PLSRKHGGPK

ClinVar aggregate classification (germline): Pathogenic/Likely pathogenic. Review status: criteria provided, multiple submitters, no conflicts (2 of 4 stars). 2 submissions from 2 submitters: Pathogenic (1); Likely pathogenic (1). Last evaluated 2024-09-01.

Conditions:
Amyotrophic lateral sclerosis type 1 (ALS1). Also called: AMYOTROPHIC LATERAL SCLEROSIS 1, FAMILIAL. Identifiers: Orphanet 803, MedGen C1862939, MONDO:0007103, OMIM 105400.

Allele frequency attached by ClinVar (database versions not stated): TOPMed below 0.00001; gnomAD 0.00001.
gnomAD v4.1: 2 of 1,613,000 alleles (0.00012%); highest among the groups gnomAD compares: Non-Finnish European, 0.000085%; no homozygotes.

Submissions (2):

Labcorp Genetics (formerly Invitae), Labcorp
Classification: Pathogenic for Amyotrophic lateral sclerosis type 1. Last evaluated: 2024-09-01. Review status: criteria provided, single submitter. Criteria: Invitae Variant Classification Sherloc (09022015). Collection method: clinical testing. Allele origin: germline.
Comment: This sequence change replaces asparagine, which is neutral and polar, with serine, which is neutral and polar, at codon 66 of the SOD1 protein (p.Asn66Ser). This variant is not present in population databases (gnomAD no frequency). This missense change has been observed in individuals with autosomal dominant amyotrophic lateral sclerosis (PMID: 12210393, 14506936, 16952453, 24325798). This variant is also known as N65S. ClinVar contains an entry for this variant (Variation ID: 1709733). Invitae Evidence Modeling of protein sequence and biophysical properties (such as structural, functional, and spatial information, amino acid conservation, physicochemical variation, residue mobility, and thermodynamic stability) indicates that this missense variant is expected to disrupt SOD1 protein function with a positive predictive value of 95%. For these reasons, this variant has been classified as Pathogenic.

MGZ Medical Genetics Center
Classification: Likely pathogenic for Amyotrophic lateral sclerosis type 1. Last evaluated: 2022-08-26. Review status: criteria provided, single submitter. Criteria: ACMG Guidelines, 2015. Collection method: clinical testing. Allele origin: germline. Affected: yes. Observed: 1 variant allele.
Comment: ACMG criteria applied: PS4, PM2_SUP, PP3

Literature cited by the submitters: PubMed 12210393 (cited by Labcorp Genetics (formerly Invitae), Labcorp); PubMed 14506936 (cited by Labcorp Genetics (formerly Invitae), Labcorp); PubMed 16952453 (cited by Labcorp Genetics (formerly Invitae), Labcorp); PubMed 24325798 (cited by Labcorp Genetics (formerly Invitae), Labcorp).